The following is an entry in ClinVar:

ClinVar aggregate classification (germline): Conflicting classifications of pathogenicity. Review status: criteria provided, conflicting classifications (1 of 4 stars). 6 submissions from 6 submitters: Uncertain significance (3); Likely benign (2). 1 of the submissions does not count toward it. Last evaluated 2024-10-07.

Conditions:
Nephronophthisis. Also called: Juvenile Nephronophthisis. Identifiers: Orphanet 655, MedGen C0687120, MONDO:0019005, HP:0000090.
Infantile nephronophthisis (NPHP2). Also called: Nephronophthisis 2, infantile; Nephronophthisis 2. Identifiers: Orphanet 655, Orphanet 93591, MedGen C1865872, MONDO:0011190, OMIM 602088.
INVS-related disorder. Also called: INVS-related condition.

Allele frequency attached by ClinVar (database versions not stated): ESP Exome Variant Server 0.00023; ExAC 0.00027; gnomAD exomes 0.00031 and 0.00053; TOPMed 0.00031; gnomAD 0.00034 and 0.00035; 1000 Genomes Project 0.00040; 1000 Genomes Project 30x 0.00062.
gnomAD v4.1: 824 of 1,613,478 alleles (0.051%); highest among the groups gnomAD compares: Non-Finnish European, 0.063%; 1 homozygote.

Submissions (6):

Blueprint Genetics
Classification: Likely benign. Last evaluated: 2024-10-07. Review status: criteria provided, single submitter. Criteria: ACMG Guidelines, 2015. Collection method: clinical testing. Allele origin: germline.

Fulgent Genetics
Classification: Likely benign for Infantile nephronophthisis. Last evaluated: 2024-02-02. Review status: criteria provided, single submitter. Criteria: ACMG Guidelines, 2015. Collection method: clinical testing. Allele origin: germline.

Labcorp Genetics (formerly Invitae), Labcorp
Classification: Uncertain significance for Nephronophthisis. Last evaluated: 2022-10-25. Review status: criteria provided, single submitter. Criteria: Invitae Variant Classification Sherloc (09022015). Collection method: clinical testing. Allele origin: germline.
Comment: This sequence change replaces arginine, which is basic and polar, with glycine, which is neutral and non-polar, at codon 686 of the INVS protein (p.Arg686Gly). This variant is present in population databases (rs150001738, gnomAD 0.05%). This variant has not been reported in the literature in individuals affected with INVS-related conditions. ClinVar contains an entry for this variant (Variation ID: 500642). Algorithms developed to predict the effect of missense changes on protein structure and function (SIFT, PolyPhen-2, Align-GVGD) all suggest that this variant is likely to be tolerated. In summary, the available evidence is currently insufficient to determine the role of this variant in disease. Therefore, it has been classified as a Variant of Uncertain Significance.

Illumina Laboratory Services, Illumina
Classification: Uncertain significance for Infantile nephronophthisis. Last evaluated: 2018-01-12. Review status: criteria provided, single submitter. Criteria: ICSL Variant Classification Criteria 13 December 2019. Collection method: clinical testing. Allele origin: germline.

Eurofins Ntd Llc (ga)
Classification: Uncertain significance. Last evaluated: 2018-01-11. Review status: criteria provided, single submitter. Criteria: EGL Classification Definitions 2015. Collection method: clinical testing. Allele origin: germline. Observed: 3 variant alleles, 3 heterozygotes.

PreventionGenetics, part of Exact Sciences
Classification: Uncertain significance for INVS-related condition. Last evaluated: 2024-07-03. Review status: no assertion criteria provided. Collection method: clinical testing. Allele origin: germline. Not counted in ClinVar's aggregate classification.
Comment: The INVS c.2056A>G variant is predicted to result in the amino acid substitution p.Arg686Gly. To our knowledge, this variant has not been reported in the literature. This variant is reported in 0.054% of alleles in individuals of Latino descent in gnomAD. At this time, the clinical significance of this variant is uncertain due to the absence of conclusive functional and genetic evidence.

NM_014425.5(INVS):c.2056A>G (p.Arg686Gly)

Gene: INVS (inversin; plus strand). Cytogenetic location: 9q31.1.
Variant type: single nucleotide variant.
Coding change: c.2056A>G on transcript NM_014425.5 (MANE Select); coding-DNA position 2056, A replaced by G.
Protein change: p.Arg686Gly; replaces arginine 686 with glycine.
Molecular consequence: missense variant. On other transcripts: non-coding transcript variant (1).
Genome position (GRCh38, 1-based): chr9:100,284,591, A>G. VCF-style: chr9-100284591-A-G. GRCh37 (hg19) VCF-style: chr9-103046873-A-G.
Other names: c.1768A>G, p.Arg590Gly (NM_001318381.2); c.1078A>G, p.Arg360Gly (NM_001318382.2); c.2056A>G (NM_014425.4); short protein forms R686G, R360G, R590G.
Identifiers: ClinVar variation 500642 (VCV000500642.18), dbSNP rs150001738, ClinGen allele CA5158538.